The following is an entry in ClinVar:

ClinVar aggregate classification (germline): Pathogenic/Likely pathogenic. Review status: criteria provided, multiple submitters, no conflicts (2 of 4 stars). 3 submissions from 2 submitters: Pathogenic (2); Likely pathogenic (1). Last evaluated 2024-10-22.

Conditions:
Developmental and epileptic encephalopathy, 27 (DEE27). Also called: GRIN2B-Related Neurodevelopmental Disorder; Epileptic encephalopathy, early infantile, 27. Identifiers: Orphanet 3451, MedGen C4015316, MONDO:0014505, OMIM 616139.
Intellectual developmental disorder, autosomal dominant 6, with or without seizures. Also called: GRIN2B-related developmental delay, intellectual disability and autism spectrum disorder; Intellectual disability, autosomal dominant 6. Identifiers: Orphanet 589547, MedGen C3151411, MONDO:0013509, OMIM 613970.

Submissions (3):

GeneDx
Classification: Pathogenic. Last evaluated: 2024-10-22. Review status: criteria provided, single submitter. Criteria: GeneDx Variant Classification Process June 2021. Collection method: clinical testing. Allele origin: germline. Affected: yes.
Comment: Published functional studies demonstrate a damaging effect with an overactive status under resting conditions as a result of both the increased activation at low concentrations of agonists, reduced voltage-dependent Mg2+ block and reduced proton inhibition (PMID: 28377535); Not observed at significant frequency in large population cohorts (gnomAD); In silico analysis supports that this missense variant has a deleterious effect on protein structure/function; This variant is associated with the following publications: (PMID: 28377535, 27839871, 35110392)

Institute of Human Genetics, University of Leipzig Medical Center
Classification: Pathogenic for Developmental and epileptic encephalopathy, 27. Last evaluated: 2017-05-24. Review status: criteria provided, single submitter. Criteria: ACMG Guidelines, 2015. Collection method: clinical testing. Allele origin: germline. Affected: yes. Observed: 1 variant allele.

Institute of Human Genetics, University of Leipzig Medical Center
Classification: Likely pathogenic for Intellectual developmental disorder, autosomal dominant 6, with or without seizures. Last evaluated: 2017-04-04. Review status: criteria provided, single submitter. Criteria: ACMG Guidelines, 2015. Collection method: clinical testing. Allele origin: de novo. Affected: yes.
Comment: This variant was identified as de novo (maternity and paternity confirmed).

Literature cited by the submitters: PubMed 28377535 (cited by Institute of Human Genetics, University of Leipzig Medical Center).

NM_000834.5(GRIN2B):c.2455G>A (p.Ala819Thr)

Gene: GRIN2B (glutamate ionotropic receptor NMDA type subunit 2B; minus strand). Cytogenetic location: 12p13.1.
Variant type: single nucleotide variant.
Coding change: c.2455G>A on transcript NM_000834.5 (MANE Select); coding-DNA position 2455, G replaced by A.
Protein change: p.Ala819Thr; replaces alanine 819 with threonine.
Molecular consequence: missense variant.
Genome position (GRCh38, 1-based): chr12:13,567,168, C>T on the plus strand (G>A on the coding strand, the complement: GRIN2B is on the minus strand). VCF-style: chr12-13567168-C-T. GRCh37 (hg19) VCF-style: chr12-13720102-C-T.
Other names: short protein forms A819T.
Identifiers: ClinVar variation 916592 (VCV000916592.3), dbSNP rs1948652117, ClinGen allele CA383996402.